The following is an entry in ClinVar:

NM_001372051.1(CASP8):c.306-1935G>A

Gene: CASP8 (caspase 8; plus strand). Cytogenetic location: 2q33.1.
Variant type: single nucleotide variant.
Coding change: c.306-1935G>A on transcript NM_001372051.1 (MANE Select); 1935 bases into the intron before coding-DNA position 306, G replaced by A.
Molecular consequence: intron variant. On other transcripts: missense variant (1).
Genome position (GRCh38, 1-based): chr2:201,269,581, G>A. VCF-style: chr2-201269581-G-A. GRCh37 (hg19) VCF-style: chr2-202134304-G-A.
Other names: c.377G>A, p.Arg126Gln (NM_001228.5); c.306-1935G>A (NM_001400651.1, NM_001400663.1, NM_001400657.1 and 20 more transcripts); c.-227-1935G>A (NM_001400677.1, NM_001400750.1, NM_001400751.1 and 6 more transcripts); c.-4-1935G>A (NM_001400669.1); c.-306-1935G>A (NM_001400680.1); c.483-1935G>A (NM_001080125.2, NM_001400642.1, NM_001400665.1); c.-408-1935G>A (NM_001400674.1); short protein forms R126Q.
Identifiers: ClinVar variation 1365938 (VCV001365938.4), dbSNP rs774427459, ClinGen allele CA2053509.

ClinVar aggregate classification (germline): Uncertain significance. Review status: criteria provided, multiple submitters, no conflicts (2 of 4 stars). 2 submissions from 2 submitters: Uncertain significance (2). Last evaluated 2022-08-17.

Conditions:
Inborn genetic diseases. Identifiers: MedGen C0950123, MeSH D030342.
Autoimmune lymphoproliferative syndrome type 2B. Also called: AUTOIMMUNE LYMPHOPROLIFERATIVE SYNDROME, TYPE IIB. Identifiers: Orphanet 275517, MedGen C1846545, MONDO:0011804, OMIM 607271.

Allele frequency attached by ClinVar (database versions not stated): TOPMed 0.00001; gnomAD 0.00002 and 0.00003; gnomAD exomes 0.00002; ExAC 0.00004.
gnomAD v4.1: 28 of 1,612,946 alleles (0.0017%); highest among the groups gnomAD compares: Middle Eastern, 0.016%; no homozygotes.

Submissions (2):

Ambry Genetics
Classification: Uncertain significance for Inborn genetic diseases. Last evaluated: 2022-08-17. Review status: criteria provided, single submitter. Criteria: Ambry Variant Classification Scheme 2023. Collection method: clinical testing. Allele origin: germline.

Labcorp Genetics (formerly Invitae), Labcorp
Classification: Uncertain significance for Autoimmune lymphoproliferative syndrome type 2B. Last evaluated: 2022-03-25. Review status: criteria provided, single submitter. Criteria: Invitae Variant Classification Sherloc (09022015). Collection method: clinical testing. Allele origin: germline.
Comment: This sequence change replaces arginine, which is basic and polar, with glutamine, which is neutral and polar, at codon 126 of the CASP8 protein (p.Arg126Gln). This variant is present in population databases (rs774427459, gnomAD 0.004%). This variant has not been reported in the literature in individuals affected with CASP8-related conditions. Algorithms developed to predict the effect of missense changes on protein structure and function are either unavailable or do not agree on the potential impact of this missense change (SIFT: "Deleterious"; PolyPhen-2: "Benign"; Align-GVGD: "Class C0"). Algorithms developed to predict the effect of sequence changes on RNA splicing suggest that this variant may create or strengthen a splice site. In summary, the available evidence is currently insufficient to determine the role of this variant in disease. Therefore, it has been classified as a Variant of Uncertain Significance.